The following is an entry in ClinVar:

NM_144508.5(KNL1):c.4693A>C (p.Asn1565His)

Gene: KNL1 (kinetochore scaffold 1; plus strand). Cytogenetic location: 15q15.1.
Variant type: single nucleotide variant.
Coding change: c.4693A>C on transcript NM_144508.5 (MANE Select); coding-DNA position 4693, A replaced by C.
Protein change: p.Asn1565His; replaces asparagine 1565 with histidine.
Molecular consequence: missense variant.
Genome position (GRCh38, 1-based): chr15:40,624,957, A>C. VCF-style: chr15-40624957-A-C. GRCh37 (hg19) VCF-style: chr15-40917155-A-C.
Other names: c.4771A>C, p.Asn1591His (NM_170589.5); short protein forms N1565H, N1591H.
Identifiers: ClinVar variation 1878682 (VCV001878682.1), dbSNP rs2504282357, ClinGen allele CA391763511.

ClinVar aggregate classification (germline): Uncertain significance (1 of 4 stars; one submission).

Submission:

GeneDx
Classification: Uncertain significance. Last evaluated: 2022-07-15. Review status: criteria provided, single submitter. Criteria: GeneDx Variant Classification Process June 2021. Collection method: clinical testing. Allele origin: germline. Affected: yes.
Comment: Not observed at significant frequency in large population cohorts (gnomAD); In silico analysis supports that this missense variant does not alter protein structure/function; Has not been previously published as pathogenic or benign to our knowledge